The following is an entry in ClinVar:

ClinVar aggregate classification (germline): Pathogenic (1 of 4 stars; one submission).

Conditions:
Hypertrophic cardiomyopathy 4. Also called: Familial hypertrophic cardiomyopathy 4. Identifiers: MedGen C1861862, MONDO:0007268, OMIM 115197.

Submission:

3billion
Classification: Pathogenic for Hypertrophic cardiomyopathy 4. Last evaluated: 2024-12-12. Review status: criteria provided, single submitter. Criteria: ACMG Guidelines, 2015. Collection method: clinical testing. Allele origin: germline. Affected: yes.
Comment: The variant is not observed in the gnomAD v4.1.0 dataset. Predicted Consequence/Location: Frameshift: predicted to result in a loss or disruption of normal protein function through nonsense-mediated decay (NMD) or protein truncation. Multiple pathogenic variants are reported downstream of the variant. The variant has been observed in at least two similarly affected unrelated individuals (3billion dataset). The variant has been reported to be associated with MYBPC3-related disorder (ClinVar ID: VCV002444036 /3billion dataset). Therefore, this variant is classified as Pathogenic according to the recommendation of ACMG/AMP guideline.

NM_000256.3(MYBPC3):c.3677dup (p.Phe1227fs)

Gene: MYBPC3 (myosin binding protein C3; minus strand). Cytogenetic location: 11p11.2.
Variant type: Duplication.
Coding change: c.3677dup on transcript NM_000256.3 (MANE Select); coding-DNA position 3677, one base duplicated (G; older notation c.3677dupG).
Protein change: p.Phe1227fs; shifts the reading frame from phenylalanine 1227.
Molecular consequence: frameshift variant.
Genome position (GRCh38, 1-based): chr11:47,332,209, C duplicated on the plus strand (G on the coding strand, the reverse complement: MYBPC3 is on the minus strand). VCF-style (leftmost placement, unchanged base first): chr11-47332208-G-GC. GRCh37 (hg19) VCF-style: chr11-47353759-G-GC.
Other names: short protein forms F1227fs.
Identifiers: ClinVar variation 2444036 (VCV002444036.2), dbSNP rs2495736532, ClinGen allele CA2580084178.